The following is an entry in ClinVar:

NM_003978.5(PSTPIP1):c.115A>C (p.Met39Leu)

Gene: PSTPIP1 (proline-serine-threonine phosphatase interacting protein 1; plus strand). Cytogenetic location: 15q24.3.
Variant type: single nucleotide variant.
Coding change: c.115A>C on transcript NM_003978.5 (MANE Select); coding-DNA position 115, A replaced by C.
Protein change: p.Met39Leu; replaces methionine 39 with leucine.
Molecular consequence: missense variant. On other transcripts: non-coding transcript variant (1).
Genome position (GRCh38, 1-based): chr15:77,018,226, A>C. VCF-style: chr15-77018226-A-C. GRCh37 (hg19) VCF-style: chr15-77310567-A-C.
Other names: c.115A>C, p.Met39Leu (NM_001321135.2, NM_001411086.1); c.88A>C, p.Met30Leu (NM_001321136.2); c.310A>C, p.Met104Leu (NM_001321137.1); short protein forms M30L, M39L, M104L.
Identifiers: ClinVar variation 3674847 (VCV003674847.2).

ClinVar aggregate classification (germline): Uncertain significance (1 of 4 stars; one submission).

Conditions:
Pyogenic arthritis-pyoderma gangrenosum-acne syndrome (PAPA). Also called: FAMILIAL RECURRENT ARTHRITIS; PAPA SYNDROME. Identifiers: Orphanet 69126, MedGen C1858361, MONDO:0011462, OMIM 604416.

Submission:

Labcorp Genetics (formerly Invitae), Labcorp
Classification: Uncertain significance for Pyogenic arthritis-pyoderma gangrenosum-acne syndrome. Last evaluated: 2025-03-20. Review status: criteria provided, single submitter. Criteria: Invitae Variant Classification Sherloc (09022015). Collection method: clinical testing. Allele origin: germline.
Comment: This sequence change replaces methionine, which is neutral and non-polar, with leucine, which is neutral and non-polar, at codon 39 of the PSTPIP1 protein (p.Met39Leu). This variant is not present in population databases (gnomAD no frequency). This variant has not been reported in the literature in individuals affected with PSTPIP1-related conditions. Invitae Evidence Modeling of protein sequence and biophysical properties (such as structural, functional, and spatial information, amino acid conservation, physicochemical variation, residue mobility, and thermodynamic stability) indicates that this missense variant is not expected to disrupt PSTPIP1 protein function with a negative predictive value of 80%. In summary, the available evidence is currently insufficient to determine the role of this variant in disease. Therefore, it has been classified as a Variant of Uncertain Significance.